The following is an entry in ClinVar:

NM_002715.4(PPP2CA):c.263A>G (p.Asp88Gly)

Gene: PPP2CA (protein phosphatase 2 catalytic subunit alpha; minus strand). Cytogenetic location: 5q31.1.
Variant type: single nucleotide variant.
Coding change: c.263A>G on transcript NM_002715.4 (MANE Select); coding-DNA position 263, A replaced by G.
Protein change: p.Asp88Gly; replaces aspartic acid 88 with glycine.
Molecular consequence: missense variant. On other transcripts: non-coding transcript variant (1).
Genome position (GRCh38, 1-based): chr5:134,205,971, T>C on the plus strand (A>G on the coding strand, the complement: PPP2CA is on the minus strand). VCF-style: chr5-134205971-T-C. GRCh37 (hg19) VCF-style: chr5-133541662-T-C.
Other names: c.68A>G, p.Asp23Gly (NM_001355019.2); short protein forms D88G, D23G.
Identifiers: ClinVar variation 620083 (VCV000620083.8), dbSNP rs1561737008, ClinGen allele CA360994010.

ClinVar aggregate classification (germline): Pathogenic/Likely pathogenic. Review status: criteria provided, multiple submitters, no conflicts (2 of 4 stars). 3 submissions from 3 submitters: Pathogenic (1); Likely pathogenic (1). 1 of the submissions does not count toward it. Last evaluated 2019-07-15.

Conditions:
Houge-Janssens syndrome 3. Also called: NEURODEVELOPMENTAL DISORDER AND LANGUAGE DELAY WITH OR WITHOUT STRUCTURAL BRAIN ABNORMALITIES. Identifiers: MedGen C5193048, MONDO:0032697, OMIM 618354.

Submissions (3):

SIB Swiss Institute of Bioinformatics
Classification: Likely pathogenic for Houge-Janssens syndrome 3. Last evaluated: 2019-07-15. Review status: criteria provided, single submitter. Criteria: ACMG Guidelines, 2015. Collection method: curation. Allele origin: unknown.
Comment: This variant is interpreted as a Likely pathogenic for Neurodevelopmental disorder and language delay with or without structural brain abnormalities, autosomal dominant. The following ACMG Tag(s) were applied: PM2, PM6, PP3, PS3.

Institute of Human Genetics Munich, TUM University Hospital
Classification: Pathogenic for Houge-Janssens syndrome 3. Last evaluated: 2019-02-13. Review status: criteria provided, single submitter. Criteria: Classification criteria August 2017. Collection method: clinical testing. Allele origin: de novo. Inheritance: Autosomal dominant inheritance. Affected: yes. Observed: 1 heterozygote.

OMIM
Classification: Pathogenic for HOUGE-JANSSENS SYNDROME 3. Last evaluated: 2023-11-10. Review status: no assertion criteria provided. Collection method: literature only. Allele origin: germline. Not counted in ClinVar's aggregate classification.

Literature cited by the submitters: PubMed 30595372 (cited by 3 submitters).